The following is an entry in ClinVar:

NM_007194.4(CHEK2):c.320-3970_454del

Gene: CHEK2 (checkpoint kinase 2; minus strand). Cytogenetic location: 22q12.1.
Variant type: Deletion.
Coding change: c.320-3970_454del on transcript NM_007194.4 (MANE Select); 3970 bases into the intron before coding-DNA position 320 through coding-DNA position 454, 4,223 bases deleted.
Molecular consequence: splice acceptor variant, splice donor variant.
Genome position (GRCh38, 1-based): chr22:28,725,115-28,729,337, 4,223 bases deleted. GRCh37 (hg19): chr22:29,121,104-29,125,326.
Other names: c.-344-3970_-210del (NM_001437942.1); c.320-3970_444+128del (NM_001349956.3); c.320-3970_454del (NM_145862.3); c.-458-3970_-324del (NM_001257387.3); c.412+1119_547del (NM_001438295.1, NM_001438293.1); c.448+1083_583del (NM_001438294.1, NM_001005735.3).
Identifiers: ClinVar variation 665014 (VCV000665014.2), ClinGen allele CA915952738.

ClinVar aggregate classification (germline): Pathogenic (1 of 4 stars; one submission).

Conditions:
Familial cancer of breast. Also called: BREAST CANCER, FAMILIAL; hereditary breast carcinoma; Hereditary breast cancer. Identifiers: Orphanet 227535, MedGen C0346153, MONDO:0016419, OMIM 114480. Disease mechanism: loss of function.

Submission:

Labcorp Genetics (formerly Invitae), Labcorp
Classification: Pathogenic for Hereditary Breast Carcinoma. Last evaluated: 2019-01-01. Review status: criteria provided, single submitter. Criteria: Invitae Variant Classification Sherloc (09022015). Collection method: clinical testing. Allele origin: germline.
Comment: This variant is a deletion of the genomic region encompassing exon 3 and part of exon 4 (c.320-3971_453del) of the CHEK2 gene. It is expected to disrupt RNA splicing and likely results in an absent or disrupted protein product. This variant has not been reported in the literature in individuals with CHEK2-related conditions. This variant disrupts the p.Arg117 amino acid residue in CHEK2. Other variant(s) that disrupt this residue have been observed in individuals with CHEK2-related conditions (PMID:Â¬â€ 12454775, 12610780, 21244692, 28503720), suggesting that it is a clinically significant residue. As a result, variants that disrupt this residue are likely to be causative of disease. Loss-of-function variants in CHEK2 are known to be pathogenic (PMID: 21876083, 24713400). For these reasons, this variant has been classified as Pathogenic.